The following is an entry in ClinVar:

NM_052947.4(ALPK2):c.6361T>A (p.Cys2121Ser)

Gene: ALPK2 (alpha kinase 2; minus strand). Cytogenetic location: 18q21.31.
Variant type: single nucleotide variant.
Coding change: c.6361T>A on transcript NM_052947.4 (MANE Select); coding-DNA position 6361, T replaced by A.
Protein change: p.Cys2121Ser; replaces cysteine 2121 with serine.
Molecular consequence: missense variant.
Genome position (GRCh38, 1-based): chr18:58,481,975, A>T on the plus strand (T>A on the coding strand, the complement: ALPK2 is on the minus strand). VCF-style: chr18-58481975-A-T. GRCh37 (hg19) VCF-style: chr18-56149207-A-T.
Other names: short protein forms C2121S.
Identifiers: ClinVar variation 1753066 (VCV001753066.2), dbSNP rs2518842735, ClinGen allele CA402538665.

ClinVar aggregate classification (germline): Uncertain significance (1 of 4 stars; one submission).

Submission:

Ambry Genetics
Classification: Uncertain significance. Last evaluated: 2022-02-08. Review status: criteria provided, single submitter. Criteria: Ambry Variant Classification Scheme 2023. Collection method: clinical testing. Allele origin: germline.
Comment: The p.C2121S variant (also known as c.6361T>A), located in coding exon 12 of the ALPK2 gene, results from a T to A substitution at nucleotide position 6361. The cysteine at codon 2121 is replaced by serine, an amino acid with dissimilar properties. This amino acid position is conserved. In addition, this alteration is predicted to be deleterious by in silico analysis. Since supporting evidence is limited at this time, the clinical significance of this alteration remains unclear.